The following is an entry in ClinVar:

ClinVar aggregate classification (germline): Uncertain significance (1 of 4 stars; one submission).

Conditions:
Autosomal recessive spinocerebellar ataxia 12. Also called: SPINOCEREBELLAR ATAXIA WITH MENTAL RETARDATION AND EPILEPSY. Identifiers: Orphanet 284282, MedGen C3280452, MONDO:0013687, OMIM 614322.
Developmental and epileptic encephalopathy, 1 (DEE1). Also called: OHTAHARA SYNDROME, X-LINKED; INFANTILE SPASM SYNDROME, X-LINKED 1; X-linked infantile spasms; West's syndrome; Tonic spasms with clustering, arrest of psychomotor development and hypsarrhythmia on EEG; X-Linked Infantile Spasm Syndrome. Identifiers: MedGen C3463992, MONDO:0010632, OMIM 308350. Disease mechanism: loss of function.

Allele frequency attached by ClinVar (database versions not stated): TOPMed below 0.00001.
gnomAD v4.1: 1 of 1,614,222 alleles (0.000062%); no homozygotes.

Submission:

Labcorp Genetics (formerly Invitae), Labcorp
Classification: Uncertain significance for Developmental and epileptic encephalopathy, 1; Autosomal recessive spinocerebellar ataxia 12. Last evaluated: 2022-10-13. Review status: criteria provided, single submitter. Criteria: Invitae Variant Classification Sherloc (09022015). Collection method: clinical testing. Allele origin: germline.
Comment: In summary, the available evidence is currently insufficient to determine the role of this variant in disease. Therefore, it has been classified as a Variant of Uncertain Significance. Advanced modeling of protein sequence and biophysical properties (such as structural, functional, and spatial information, amino acid conservation, physicochemical variation, residue mobility, and thermodynamic stability) performed at Invitae indicates that this missense variant is not expected to disrupt WWOX protein function. ClinVar contains an entry for this variant (Variation ID: 955034). This variant has not been reported in the literature in individuals affected with WWOX-related conditions. This variant is present in population databases (no rsID available, gnomAD 0.01%). This sequence change replaces proline, which is neutral and non-polar, with leucine, which is neutral and non-polar, at codon 386 of the WWOX protein (p.Pro386Leu).

NM_016373.4(WWOX):c.1157C>T (p.Pro386Leu)

Genes: MAF (MAF bZIP transcription factor; minus strand), WWOX (WW domain containing oxidoreductase; plus strand). Cytogenetic location: 16q23.2.
Variant type: single nucleotide variant.
Coding change: c.1157C>T on transcript NM_016373.4 (MANE Select); coding-DNA position 1157, C replaced by T.
Protein change: p.Pro386Leu; replaces proline 386 with leucine.
Molecular consequence: missense variant.
Genome position (GRCh38, 1-based): chr16:79,211,708, C>T. VCF-style: chr16-79211708-C-T. GRCh37 (hg19) VCF-style: chr16-79245605-C-T.
Other names: c.818C>T, p.Pro273Leu (NM_001291997.2); short protein forms P386L, P273L.
Identifiers: ClinVar variation 955034 (VCV000955034.10), dbSNP rs1351213477, ClinGen allele CA396537175.